The following is an entry in ClinVar:

NM_001297.5(CNGB1):c.*1671A>G

Gene: CNGB1 (cyclic nucleotide gated channel subunit beta 1; minus strand). Cytogenetic location: 16q21.
Variant type: single nucleotide variant.
Coding change: c.*1671A>G on transcript NM_001297.5 (MANE Select); 1671 bases downstream of the stop codon, A replaced by G.
Molecular consequence: 3 prime UTR variant.
Genome position (GRCh38, 1-based): chr16:57,882,493, T>C on the plus strand (A>G on the coding strand, the complement: CNGB1 is on the minus strand). VCF-style: chr16-57882493-T-C. GRCh37 (hg19) VCF-style: chr16-57916397-T-C.
Other names: c.*1671A>G (NM_001286130.2).
Identifiers: ClinVar variation 886979 (VCV000886979.4), dbSNP rs117526439, ClinGen allele CA281604106.

ClinVar aggregate classification (germline): Likely benign (1 of 4 stars; one submission).

Conditions:
Retinitis pigmentosa (RP). Identifiers: Orphanet 791, MedGen C0035334, MeSH D012174, MONDO:0019200, OMIM 268000. Inheritance: Autosomal dominant, autosomal recessive and X linked inheritance.

Allele frequency attached by ClinVar (database versions not stated): 1000 Genomes Project 30x 0.01843; 1000 Genomes Project 0.01897; TOPMed 0.03251; gnomAD 0.03362 and 0.03428.

Submission:

Illumina Laboratory Services, Illumina
Classification: Likely benign for Retinitis pigmentosa. Last evaluated: 2018-01-13. Review status: criteria provided, single submitter. Criteria: ICSL Variant Classification Criteria 13 December 2019. Collection method: clinical testing. Allele origin: germline.
Comment: This variant was observed in the ICSL laboratory as part of a predisposition screen in an ostensibly healthy population. It had not been previously curated by ICSL or reported in the Human Gene Mutation Database (HGMD: prior to June 1st, 2018), and was therefore a candidate for classification through an automated scoring system. Utilizing variant allele frequency, disease prevalence and penetrance estimates, and inheritance mode, an automated score was calculated to assess if this variant is too frequent to cause the disease. Based on the score and internal cut-off values, a variant classified as likely benign is not then subjected to further curation. The score for this variant resulted in a classification of likely benign for this disease.